The following is an entry in ClinVar:

ClinVar aggregate classification (germline): Likely benign (1 of 4 stars; one submission).

Submission:

Women's Health and Genetics/Laboratory Corporation of America, LabCorp
Classification: Likely benign. Last evaluated: 2025-04-21. Review status: criteria provided, single submitter. Criteria: LabCorp Variant Classification Summary - May 2015. Collection method: clinical testing. Allele origin: germline.
Comment: Variant summary: AP5Z1 c.2154-15dupA alters a nucleotide located at a position not widely known to affect splicing. Consensus agreement among computation tools predict no significant impact on normal splicing. However, these predictions have yet to be confirmed by functional studies. The variant allele was found at a frequency of 1.5e-05 in 194730 control chromosomes. The available data on variant occurrences in the general population are insufficient to allow any conclusion about variant significance. To our knowledge, no occurrence of c.2154-15dupA in individuals affected with Hereditary Spastic Paraplegia 48 and no experimental evidence demonstrating its impact on protein function have been reported. No submitters have cited clinical-significance assessments for this variant to ClinVar. Based on the evidence outlined above, the variant was classified as likely benign.

NM_014855.3(AP5Z1):c.2154-15dup

Gene: AP5Z1 (adaptor related protein complex 5 subunit zeta 1; plus strand). Cytogenetic location: 7p22.1.
Variant type: Duplication.
Coding change: c.2154-15dup on transcript NM_014855.3 (MANE Select); 15 bases into the intron before coding-DNA position 2154, one base duplicated (A; older notation c.2154-15dupA).
Molecular consequence: intron variant.
Genome position (GRCh38, 1-based): chr7:4,791,100, A duplicated. VCF-style (leftmost placement, unchanged base first): chr7-4791099-G-GA. GRCh37 (hg19) VCF-style: chr7-4830730-G-GA.
Other names: c.1686-15dup (NM_001364858.1); c.2154-15dupA (NM_014855.3).
Identifiers: ClinVar variation 3896142 (VCV003896142.2).